The following is an entry in ClinVar:

NM_032634.4(PIGO):c.2747A>G (p.His916Arg)

Gene: PIGO (phosphatidylinositol glycan anchor biosynthesis class O; minus strand). Cytogenetic location: 9p13.3.
Variant type: single nucleotide variant.
Coding change: c.2747A>G on transcript NM_032634.4 (MANE Select); coding-DNA position 2747, A replaced by G.
Protein change: p.His916Arg; replaces histidine 916 with arginine.
Molecular consequence: missense variant.
Genome position (GRCh38, 1-based): chr9:35,090,573, T>C on the plus strand (A>G on the coding strand, the complement: PIGO is on the minus strand). VCF-style: chr9-35090573-T-C. GRCh37 (hg19) VCF-style: chr9-35090570-T-C.
Other names: c.1496A>G, p.His499Arg (NM_001201484.2, NM_152850.4); c.2747A>G (NM_032634.3); short protein forms H499R, H916R.
Identifiers: ClinVar variation 1011516 (VCV001011516.10), dbSNP rs1331077224, ClinGen allele CA373318266.
Genomic context (GRCh38, chr9:35,090,573, plus strand): 5'-GCAGGCAGCCAAGTACAGGAGCCATGACCCTCTGGGAATCCCACGAAGGCTGCATGCCAA[T>C]GGATGGCTGGAAAGACAGGCTGGTGGCCTGTGGAGTAGAAGGTCTGTGTGGCCATGAGGG-3'
Protein context (NP_116023.2, residues 906-926): TGHQPVFPAI[His916Arg]WHAAFVGFPE

ClinVar aggregate classification (germline): Uncertain significance. Review status: criteria provided, multiple submitters, no conflicts (2 of 4 stars). 3 submissions from 3 submitters: Uncertain significance (3). Last evaluated 2024-08-27.

Conditions:
Inborn genetic diseases. Identifiers: MedGen C0950123, MeSH D030342.
Hyperphosphatasia with impaired intellectual development syndrome 2. Also called: Hyperphosphatasia with intellectual disability syndrome 2; GLYCOSYLPHOSPHATIDYLINOSITOL BIOSYNTHESIS DEFECT 6. Identifiers: Orphanet 247262, MedGen C3553637, MONDO:0013882, OMIM 614749.

Allele frequency attached by ClinVar (database versions not stated): gnomAD exomes below 0.00001; TOPMed below 0.00001; gnomAD 0.00001.
gnomAD v4.1: 3 of 1,614,050 alleles (0.00019%); highest among the groups gnomAD compares: East Asian, 0.0045%; no homozygotes.

Submissions (3):

GeneDx
Classification: Uncertain significance. Last evaluated: 2024-08-27. Review status: criteria provided, single submitter. Criteria: GeneDx Variant Classification Process June 2021. Collection method: clinical testing. Allele origin: germline. Affected: yes.
Comment: Not observed at significant frequency in large population cohorts (gnomAD); In silico analysis supports that this missense variant has a deleterious effect on protein structure/function; Has not been previously published as pathogenic or benign to our knowledge

Ambry Genetics
Classification: Uncertain significance for Inborn genetic diseases. Last evaluated: 2024-01-12. Review status: criteria provided, single submitter. Criteria: Ambry Variant Classification Scheme 2023. Collection method: clinical testing. Allele origin: germline.

Labcorp Genetics (formerly Invitae), Labcorp
Classification: Uncertain significance for Hyperphosphatasia with impaired intellectual development syndrome 2. Last evaluated: 2023-08-10. Review status: criteria provided, single submitter. Criteria: Invitae Variant Classification Sherloc (09022015). Collection method: clinical testing. Allele origin: germline.
Comment: This sequence change replaces histidine, which is basic and polar, with arginine, which is basic and polar, at codon 916 of the PIGO protein (p.His916Arg). This variant is present in population databases (no rsID available, gnomAD 0.007%). This variant has not been reported in the literature in individuals affected with PIGO-related conditions. ClinVar contains an entry for this variant (Variation ID: 1011516). Advanced modeling of protein sequence and biophysical properties (such as structural, functional, and spatial information, amino acid conservation, physicochemical variation, residue mobility, and thermodynamic stability) performed at Invitae indicates that this missense variant is not expected to disrupt PIGO protein function. In summary, the available evidence is currently insufficient to determine the role of this variant in disease. Therefore, it has been classified as a Variant of Uncertain Significance.